The following is an entry in ClinVar:

NM_014244.5(ADAMTS2):c.991G>A (p.Glu331Lys)

Gene: ADAMTS2 (ADAM metallopeptidase with thrombospondin type 1 motif 2; minus strand). Cytogenetic location: 5q35.3.
Variant type: single nucleotide variant.
Coding change: c.991G>A on transcript NM_014244.5 (MANE Select); coding-DNA position 991, G replaced by A.
Protein change: p.Glu331Lys; replaces glutamic acid 331 with lysine.
Molecular consequence: missense variant.
Genome position (GRCh38, 1-based): chr5:179,158,864, C>T on the plus strand (G>A on the coding strand, the complement: ADAMTS2 is on the minus strand). VCF-style: chr5-179158864-C-T. GRCh37 (hg19) VCF-style: chr5-178585865-C-T.
Other names: c.991G>A, p.Glu331Lys (NM_021599.4); short protein forms E331K.
Identifiers: ClinVar variation 353127 (VCV000353127.21), dbSNP rs17667857, ClinGen allele CA3596062.

ClinVar aggregate classification (germline): Uncertain significance. Review status: criteria provided, multiple submitters, no conflicts (2 of 4 stars). 8 submissions from 8 submitters: Uncertain significance (7). 1 of the submissions does not count toward it. Last evaluated 2026-08-06.

Conditions:
Inborn genetic diseases. Identifiers: MedGen C0950123, MeSH D030342.
Ehlers-Danlos syndrome, dermatosparaxis type. Also called: Dermatosparaxis; EDS VIIC; Ehlers-Danlos syndrome, type VII, autosomal recessive. Identifiers: Orphanet 1901, MedGen C2700425, MONDO:0009161, OMIM 225410.

Allele frequency attached by ClinVar (database versions not stated): gnomAD exomes 0.00015 and 0.00017; ExAC 0.00016; ESP Exome Variant Server 0.00046; gnomAD 0.00012; TOPMed 0.00016.
gnomAD v4.1: 275 of 1,613,982 alleles (0.017%); highest among the groups gnomAD compares: Non-Finnish European, 0.021%; no homozygotes.

Submissions (8):

OLLIN Analises Genomicas, OLLIN
Classification: Uncertain significance for Ehlers-Danlos syndrome, dermatosparaxis type. Last evaluated: 2026-08-06. Review status: criteria provided, single submitter. Criteria: ACMG Guidelines 2015 PMID 25741868. Collection method: clinical testing. Allele origin: germline. Inheritance: Autosomal recessive inheritance.
Comment: This missense variant, located in exon 6 (of 22), has been reported in ClinVar (accession VCV000353127.20) and in gnomAD with an allele frequency of 0.017%. However, to our knowledge, it has not been reported in the scientific literature. In silico analysis predicts that this variant has a deleterious effect. According to the currently available evidence, this variant has been classified as uncertain significance (PM2_P, PP3).

Ambry Genetics
Classification: Uncertain significance for Inborn genetic diseases. Last evaluated: 2026-04-27. Review status: criteria provided, single submitter. Criteria: Ambry Variant Classification Scheme 2023. Collection method: clinical testing. Allele origin: germline.

Women's Health and Genetics/Laboratory Corporation of America, LabCorp
Classification: Uncertain significance. Last evaluated: 2026-03-16. Review status: criteria provided, single submitter. Criteria: LabCorp Variant Classification Summary - May 2015. Collection method: clinical testing. Allele origin: germline.
Comment: Variant summary: ADAMTS2 c.991G>A (p.Glu331Lys) results in a conservative amino acid change located in the Peptidase M12B, ADAM/reprolysin domain (IPR001590) of the encoded protein sequence. Algorithms developed to predict the effect of missense changes on protein structure and function are either unavailable or do not agree on the potential impact of this missense change. The variant allele was found at a frequency of 0.00015 in 251054 control chromosomes. This frequency is not significantly higher than estimated for disease-causing variants in ADAMTS2, allowing no conclusion about variant significance. To our knowledge, no occurrence of c.991G>A in individuals affected with ADAMTS2-related conditions and no experimental evidence demonstrating its impact on protein function have been reported. ClinVar contains an entry for this variant (Variation ID: 353127). Based on the evidence outlined above, the variant was classified as uncertain significance.

Labcorp Genetics (formerly Invitae), Labcorp
Classification: Uncertain significance for Ehlers-Danlos syndrome, dermatosparaxis type. Last evaluated: 2026-01-21. Review status: criteria provided, single submitter. Criteria: Invitae Variant Classification Sherloc (09022015). Collection method: clinical testing. Allele origin: germline.
Comment: This sequence change replaces glutamic acid, which is acidic and polar, with lysine, which is basic and polar, at codon 331 of the ADAMTS2 protein (p.Glu331Lys). This variant is present in population databases (rs17667857, gnomAD 0.03%). This variant has not been reported in the literature in individuals affected with ADAMTS2-related conditions. ClinVar contains an entry for this variant (Variation ID: 353127). An algorithm developed to predict the effect of missense changes on protein structure and function (PolyPhen-2) suggests that this variant is likely to be disruptive. In summary, the available evidence is currently insufficient to determine the role of this variant in disease. Therefore, it has been classified as a Variant of Uncertain Significance.

Mayo Clinic Laboratories, Mayo Clinic
Classification: Uncertain significance. Last evaluated: 2025-10-14. Review status: criteria provided, single submitter. Criteria: ACMG Guidelines, 2015. Collection method: clinical testing. Allele origin: germline. Observed: 1 variant allele.
Comment: BP1, PP3

GeneDx
Classification: Uncertain significance. Last evaluated: 2024-04-18. Review status: criteria provided, single submitter. Criteria: GeneDx Variant Classification Process June 2021. Collection method: clinical testing. Allele origin: germline. Affected: yes.
Comment: In silico analysis supports that this missense variant has a deleterious effect on protein structure/function; Has not been previously published as pathogenic or benign to our knowledge

Illumina Laboratory Services, Illumina
Classification: Uncertain significance for Ehlers-Danlos syndrome, dermatosparaxis type. Last evaluated: 2018-01-13. Review status: criteria provided, single submitter. Criteria: ICSL Variant Classification Criteria 13 December 2019. Collection method: clinical testing. Allele origin: germline.

Natera, Inc.
Classification: Uncertain significance for Ehlers-Danlos syndrome type VIIC. Last evaluated: 2020-09-16. Review status: no assertion criteria provided. Collection method: clinical testing. Allele origin: germline. Not counted in ClinVar's aggregate classification.